The following is an entry in ClinVar:

NM_002691.4(POLD1):c.2820G>A (p.Glu940=)

Gene: POLD1 (DNA polymerase delta 1, catalytic subunit; plus strand). Cytogenetic location: 19q13.33.
Variant type: single nucleotide variant.
Coding change: c.2820G>A on transcript NM_002691.4 (MANE Select); coding-DNA position 2820, G replaced by A.
Protein change: p.Glu940=; no amino-acid change (glutamic acid 940 retained).
Molecular consequence: synonymous variant.
Genome position (GRCh38, 1-based): chr19:50,415,826, G>A. VCF-style: chr19-50415826-G-A. GRCh37 (hg19) VCF-style: chr19-50919083-G-A.
Other names: c.2820G>A, p.Glu940= (NM_001256849.1); c.2898G>A, p.Glu966= (NM_001308632.1).
Identifiers: ClinVar variation 2030148 (VCV002030148.4), dbSNP rs2122482826, ClinGen allele CA508305196.

ClinVar aggregate classification (germline): Uncertain significance (1 of 4 stars; one submission).

Conditions:
POLD1-related polyposis and colorectal cancer syndrome (CRCS10). Also called: Colorectal cancer 10; COLORECTAL CANCER, SUSCEPTIBILITY TO, ON CHROMOSOME 19q; Colorectal cancer, susceptibility to, 10. Identifiers: Orphanet 220460, MedGen C2675481, MONDO:0012953, OMIM 612591.

Submission:

Labcorp Genetics (formerly Invitae), Labcorp
Classification: Uncertain significance for POLD1-related polyposis and colorectal cancer syndrome. Last evaluated: 2022-09-20. Review status: criteria provided, single submitter. Criteria: Invitae Variant Classification Sherloc (09022015). Collection method: clinical testing. Allele origin: germline.
Comment: This sequence change affects codon 940 of the POLD1 mRNA. It is a 'silent' change, meaning that it does not change the encoded amino acid sequence of the POLD1 protein. This variant also falls at the last nucleotide of exon 22, which is part of the consensus splice site for this exon. This variant is not present in population databases (gnomAD no frequency). This variant has not been reported in the literature in individuals affected with POLD1-related conditions. Variants that disrupt the consensus splice site are a relatively common cause of aberrant splicing (PMID: 17576681, 9536098). Algorithms developed to predict the effect of sequence changes on RNA splicing suggest that this variant may disrupt the consensus splice site. In summary, the available evidence is currently insufficient to determine the role of this variant in disease. Therefore, it has been classified as a Variant of Uncertain Significance.

Literature cited by the submitters: PubMed 17576681; PubMed 9536098.